The following is an entry in ClinVar:

NM_001023570.4(IQCB1):c.1558C>T (p.Gln520Ter)

Gene: IQCB1 (IQ motif containing B1; minus strand). Cytogenetic location: 3q13.33.
Variant type: single nucleotide variant.
Coding change: c.1558C>T on transcript NM_001023570.4 (MANE Select); coding-DNA position 1558, C replaced by T.
Protein change: p.Gln520Ter; replaces glutamine 520 with a stop codon.
Molecular consequence: nonsense. On other transcripts: non-coding transcript variant (1).
Genome position (GRCh38, 1-based): chr3:121,772,566, G>A on the plus strand (C>T on the coding strand, the complement: IQCB1 is on the minus strand). VCF-style: chr3-121772566-G-A. GRCh37 (hg19) VCF-style: chr3-121491413-G-A.
Other names: p.Gln520Ter; c.1159C>T, p.Gln387Ter (NM_001023571.4); c.1558C>T, p.Gln520Ter (NM_001319107.2); c.1558C>T (NM_001023570.3); short protein forms Q520*, Q387*.
Identifiers: ClinVar variation 449717 (VCV000449717.17), dbSNP rs779858591, ClinGen allele CA2567069.

ClinVar aggregate classification (germline): Conflicting classifications of pathogenicity. Review status: criteria provided, conflicting classifications (1 of 4 stars). 8 submissions from 8 submitters: Pathogenic (6); Likely pathogenic (1); Uncertain significance (1). Last evaluated 2026-03-01.

Conditions:
Nephronophthisis. Also called: Juvenile Nephronophthisis. Identifiers: Orphanet 655, MedGen C0687120, MONDO:0019005, HP:0000090.
Leber congenital amaurosis (LCA). Also called: Leber's amaurosis. Identifiers: Orphanet 65, MedGen C0339527, MeSH D057130, MONDO:0018998.
IQCB1-related disorder. Also called: IQCB1-related condition.
Retinal dystrophy. Also called: Inherited retinal dystrophy. Identifiers: Orphanet 71862, MedGen C0854723, MeSH D058499, MONDO:0019118, HP:0000556.
Senior-Loken syndrome 5 (SLSN5). Identifiers: Orphanet 3156, MedGen C1836517, MONDO:0012225, OMIM 609254.

Allele frequency attached by ClinVar (database versions not stated): gnomAD exomes 0.00001 and 0.00002; ExAC 0.00002; gnomAD 0.00001; TOPMed 0.00001.

Submissions (8):

Medical Molecular Genetics Department, National Research Center
Classification: Pathogenic for Leber congenital amaurosis. Last evaluated: 2026-03-01. Review status: criteria provided, single submitter. Criteria: ACMG Guidelines, 2015. Collection method: research. Allele origin: germline. Affected: yes. Observed: 1 variant allele.
Comment: IQCB1 c.1558C>T (p.Gln520Ter): Nonsense (null variant). Absent from gnomAD. Multiple literature reports (PMID:26766544 and others). Established loss-of-function mechanism. Classified Pathogenic (PVS1,PM2,PM3)

PreventionGenetics, part of Exact Sciences
Classification: Pathogenic for IQCB1-related condition. Last evaluated: 2026-02-11. Review status: criteria provided, single submitter. Criteria: ACMG Guidelines, 2015. Collection method: clinical testing. Allele origin: germline.
Comment: The IQCB1 c.1558C>T variant is predicted to result in premature protein termination (p.Gln520*). This variant has been reported in the homozygous state in an individual with retinitis pigmentosa (ARRP165, Table 1, Weisschuh et al. 2016. PubMed ID: 26766544; Table S2, Weisschuh. 2020. PubMed ID: 32531858). This variant has also been reported in the homozygous state in an individual with Leber congenital amaurosis (S.No. 40, Table 1, Srikrupa et al. 2018. PubMed ID: 29068479). Furthermore, other truncating variants have been reported upstream of this variant as causative (HGMD-Human Gene Mutation Database). This variant is reported in 0.0018% of alleles in individuals of European (Non-Finnish) descent in gnomAD. This variant is interpreted as pathogenic.

Blueprint Genetics
Classification: Pathogenic for IQCB1-related disorders. Last evaluated: 2024-09-20. Review status: criteria provided, single submitter. Criteria: ACMG Guidelines, 2015. Collection method: clinical testing. Allele origin: germline. Affected: yes. Observed: 3 variant alleles.

Genomic Medicine Center of Excellence, King Faisal Specialist Hospital and Research Centre
Classification: Pathogenic for Senior-Loken syndrome 5. Last evaluated: 2024-03-14. Review status: criteria provided, single submitter. Criteria: ACMG Guidelines, 2015. Collection method: research. Allele origin: germline.

Institute of Human Genetics, Univ. Regensburg, Univ. Regensburg
Classification: Pathogenic for Retinal dystrophy. Last evaluated: 2022-01-01. Review status: criteria provided, single submitter. Criteria: ACMG Guidelines, 2015. Collection method: clinical testing. Allele origin: germline. Affected: yes.

Labcorp Genetics (formerly Invitae), Labcorp
Classification: Uncertain significance for Nephronophthisis. Last evaluated: 2021-07-08. Review status: criteria provided, single submitter. Criteria: Invitae Variant Classification Sherloc (09022015). Collection method: clinical testing. Allele origin: germline.
Comment: In summary, the available evidence is currently insufficient to determine the role of this variant in disease. Therefore, it has been classified as a Variant of Uncertain Significance. Experimental studies and prediction algorithms are not available or were not evaluated, and the functional significance of this variant is currently unknown. ClinVar contains an entry for this variant (Variation ID: 449717). This premature translational stop signal has been observed in individuals with IQCB1-related conditions (PMID: 26766544, 29068479). This variant is present in population databases (rs779858591, ExAC 0.003%). This sequence change creates a premature translational stop signal (p.Gln520*) in the IQCB1 gene. While this is not anticipated to result in nonsense mediated decay, it is expected to disrupt the last 79 amino acid(s) of the IQCB1 protein.

GeneDx
Classification: Likely pathogenic. Last evaluated: 2020-12-16. Review status: criteria provided, single submitter. Criteria: GeneDx Variant Classification Process June 2021. Collection method: clinical testing. Allele origin: germline. Affected: yes.
Comment: Nonsense variant in the C-terminus predicted to result in protein truncation, as the last 79 amino acids are lost, and other loss-of-function variants have been reported downstream in the Human Gene Mutation Database (Stenson et al., 2014); Not observed at a significant frequency in large population cohorts (Lek et al., 2016); This variant is associated with the following publications: (PMID: 26766544, 29068479)

Baylor Genetics
Classification: Pathogenic for Senior-Loken syndrome 5. Last evaluated: 2020-01-17. Review status: criteria provided, single submitter. Criteria: ACMG Guidelines, 2015. Collection method: clinical testing. Allele origin: unknown. Affected: yes.
Comment: This variant was determined to be pathogenic according to ACMG Guidelines, 2015 [PMID:25741868].

Literature cited by the submitters: PubMed 26766544 (cited by 3 submitters); PubMed 29068479 (cited by 3 submitters); PubMed 31964843 (cited by Institute of Human Genetics, Univ. Regensburg, Univ. Regensburg); PubMed 32531858 (cited by Institute of Human Genetics, Univ. Regensburg, Univ. Regensburg).